The following is an entry in ClinVar:

NM_000051.4(ATM):c.7499T>C (p.Val2500Ala)

Genes: ATM (ATM serine/threonine kinase; plus strand), C11orf65 (chromosome 11 open reading frame 65; minus strand). Cytogenetic location: 11q22.3.
Variant type: single nucleotide variant.
Coding change: c.7499T>C on transcript NM_000051.4 (MANE Select); coding-DNA position 7499, T replaced by C.
Protein change: p.Val2500Ala; replaces valine 2500 with alanine.
Molecular consequence: missense variant. On other transcripts: intron variant (2).
Genome position (GRCh38, 1-based): chr11:108,330,405, T>C. VCF-style: chr11-108330405-T-C. GRCh37 (hg19) VCF-style: chr11-108201132-T-C.
Other names: c.7499T>C, p.Val2500Ala (NM_001351834.2); c.641-21334A>G (NM_001330368.2); c.*38+4815A>G (NM_001351110.2); short protein forms V2500A.
Identifiers: ClinVar variation 482549 (VCV000482549.17), dbSNP rs779810877, ClinGen allele CA6266115.

ClinVar aggregate classification (germline): Uncertain significance. Review status: criteria provided, multiple submitters, no conflicts (2 of 4 stars). 5 submissions from 5 submitters: Uncertain significance (5). Last evaluated 2025-10-27.

Conditions:
ATM-related disorder. Also called: ATM-related disorders; ATM-related condition.
Hereditary cancer-predisposing syndrome. Also called: Neoplastic Syndromes, Hereditary; Hereditary Cancer Syndrome; Tumor predisposition; Hereditary neoplastic syndrome. Identifiers: Orphanet 140162, MedGen C0027672, MeSH D009386, MONDO:0015356.
Ataxia-telangiectasia syndrome (AT). Also called: LOUIS-BAR SYNDROME; Cerebello-oculocutaneous telangiectasia; Immunodeficiency with ataxia telangiectasia; Ataxia-telangiectasia, complementation group D; AT, COMPLEMENTATION GROUP C; Ataxia-telangiectasia, complementation group E. Identifiers: Orphanet 100, MedGen C0004135, MONDO:0008840, OMIM 208900.

Allele frequency attached by ClinVar (database versions not stated): gnomAD 0.00001; ExAC 0.00001.
gnomAD v4.1: 4 of 1,614,056 alleles (0.00025%); highest among the groups gnomAD compares: African/African-American, 0.004%; no homozygotes.

Submissions (5):

Labcorp Genetics (formerly Invitae), Labcorp
Classification: Uncertain significance for Ataxia-telangiectasia syndrome. Last evaluated: 2025-10-27. Review status: criteria provided, single submitter. Criteria: Invitae Variant Classification Sherloc (09022015). Collection method: clinical testing. Allele origin: germline.
Comment: This sequence change replaces valine, which is neutral and non-polar, with alanine, which is neutral and non-polar, at codon 2500 of the ATM protein (p.Val2500Ala). This variant is present in population databases (rs779810877, gnomAD 0.007%). This variant has not been reported in the literature in individuals affected with ATM-related conditions. ClinVar contains an entry for this variant (Variation ID: 482549). Invitae Evidence Modeling of protein sequence and biophysical properties (such as structural, functional, and spatial information, amino acid conservation, physicochemical variation, residue mobility, and thermodynamic stability) has been performed for this missense variant. However, the output from this modeling did not meet the statistical confidence thresholds required to predict the impact of this variant on ATM protein function. In summary, the available evidence is currently insufficient to determine the role of this variant in disease. Therefore, it has been classified as a Variant of Uncertain Significance.

Ambry Genetics
Classification: Uncertain significance for Hereditary cancer-predisposing syndrome. Last evaluated: 2025-03-14. Review status: criteria provided, single submitter. Criteria: Ambry Variant Classification Scheme 2023. Collection method: clinical testing. Allele origin: germline.
Comment: The p.V2500A variant (also known as c.7499T>C), located in coding exon 49 of the ATM gene, results from a T to C substitution at nucleotide position 7499. The valine at codon 2500 is replaced by alanine, an amino acid with similar properties. This amino acid position is highly conserved in available vertebrate species. In addition, the in silico prediction for this alteration is inconclusive. Based on the available evidence, the clinical significance of this variant remains unclear.

PreventionGenetics, part of Exact Sciences
Classification: Uncertain significance for ATM-related condition. Last evaluated: 2024-10-16. Review status: criteria provided, single submitter. Criteria: ACMG Guidelines, 2015. Collection method: clinical testing. Allele origin: germline.
Comment: The ATM c.7499T>C variant is predicted to result in the amino acid substitution p.Val2500Ala. To our knowledge, this variant has not been reported in the literature or in a large population database (gnomAD), indicating this variant is rare. This variant has an interpretation of uncertain significance in ClinVar. At this time, the clinical significance of this variant is uncertain due to the absence of conclusive functional and genetic evidence.

Color Diagnostics, LLC DBA Color Health
Classification: Uncertain significance for Hereditary cancer-predisposing syndrome. Last evaluated: 2023-12-04. Review status: criteria provided, single submitter. Criteria: ACMG Guidelines, 2015. Collection method: clinical testing. Allele origin: germline.
Comment: This missense variant replaces valine with alanine at codon 2500 of the ATM protein. Computational prediction suggests that this variant may have deleterious impact on protein structure and function (internally defined REVEL score threshold >= 0.7, PMID: 27666373). To our knowledge, functional studies have not been reported for this variant. This variant has not been reported in individuals affected with ATM-related disorders in the literature. This variant has not been identified in the general population by the Genome Aggregation Database (gnomAD). The available evidence is insufficient to determine the role of this variant in disease conclusively. Therefore, this variant is classified as a Variant of Uncertain Significance.

Athena Diagnostics
Classification: Uncertain significance. Last evaluated: 2021-05-11. Review status: criteria provided, single submitter. Criteria: Athena Diagnostics criteria. Collection method: clinical testing. Allele origin: unknown.